The following is an entry in ClinVar:

NM_002095.6(GTF2E2):c.679T>G (p.Ser227Ala)

Gene: GTF2E2 (general transcription factor IIE subunit 2; minus strand). Cytogenetic location: 8p12.
Variant type: single nucleotide variant.
Coding change: c.679T>G on transcript NM_002095.6 (MANE Select); coding-DNA position 679, T replaced by G.
Protein change: p.Ser227Ala; replaces serine 227 with alanine.
Molecular consequence: missense variant.
Genome position (GRCh38, 1-based): chr8:30,580,361, A>C on the plus strand (T>G on the coding strand, the complement: GTF2E2 is on the minus strand). VCF-style: chr8-30580361-A-C. GRCh37 (hg19) VCF-style: chr8-30437878-A-C.
Other names: short protein forms S227A.
Identifiers: ClinVar variation 1960219 (VCV001960219.5), dbSNP rs1828482731, ClinGen allele CA370875119.

ClinVar aggregate classification (germline): Uncertain significance (1 of 4 stars; one submission).

Allele frequency attached by ClinVar (database versions not stated): gnomAD exomes below 0.00001; TOPMed below 0.00001.
gnomAD v4.1: 4 of 1,602,416 alleles (0.00025%); highest among the groups gnomAD compares: Non-Finnish European, 0.00034%; no homozygotes.

Submission:

Labcorp Genetics (formerly Invitae), Labcorp
Classification: Uncertain significance. Last evaluated: 2022-03-27. Review status: criteria provided, single submitter. Criteria: Invitae Variant Classification Sherloc (09022015). Collection method: clinical testing. Allele origin: germline.
Comment: In summary, the available evidence is currently insufficient to determine the role of this variant in disease. Therefore, it has been classified as a Variant of Uncertain Significance. Algorithms developed to predict the effect of missense changes on protein structure and function (SIFT, PolyPhen-2, Align-GVGD) all suggest that this variant is likely to be tolerated. This variant has not been reported in the literature in individuals affected with GTF2E2-related conditions. This variant is not present in population databases (gnomAD no frequency). This sequence change replaces serine, which is neutral and polar, with alanine, which is neutral and non-polar, at codon 227 of the GTF2E2 protein (p.Ser227Ala).